The following is an entry in ClinVar:

NM_181672.3(OGT):c.1925A>G (p.Tyr642Cys)

Gene: OGT (O-linked N-acetylglucosamine (GlcNAc) transferase; plus strand). Cytogenetic location: Xq13.1.
Variant type: single nucleotide variant.
Coding change: c.1925A>G on transcript NM_181672.3 (MANE Select); coding-DNA position 1925, A replaced by G.
Protein change: p.Tyr642Cys; replaces tyrosine 642 with cysteine.
Molecular consequence: missense variant.
Genome position (GRCh38, 1-based): chrX:71,561,848, A>G. VCF-style: chrX-71561848-A-G. GRCh37 (hg19) VCF-style: chrX-70781698-A-G.
Other names: c.1895A>G, p.Tyr632Cys (NM_181673.3); short protein forms Y632C, Y642C.
Identifiers: ClinVar variation 4531347 (VCV004531347.1).
Genomic context (GRCh38, chrX:71,561,848, plus strand): 5'-GAAAAGCAGCTGATCGCATCCATCAGGATGGAATTCATATCCTTGTAAATATGAATGGCT[A>G]TACTAAGGGCGCTCGAAATGAGCTTTTTGCTCTCAGGCCAGCTCCTATTCAGGTAAACAA-3'
Protein context (NP_858058.1, residues 632-652): GIHILVNMNG[Tyr642Cys]TKGARNELFA

ClinVar aggregate classification (germline): Uncertain significance (1 of 4 stars; one submission).

Conditions:
Intellectual developmental disorder, X-linked 106. Also called: Intellectual disability, X-linked 106; Mental retardation, X-linked 106. Identifiers: MedGen C4478379, MONDO:0030907, OMIM 300997.

Submission:

Victorian Clinical Genetics Services, Murdoch Childrens Research Institute
Classification: Uncertain significance for Intellectual developmental disorder, X-linked 106. Last evaluated: 2025-03-21. Review status: criteria provided, single submitter. Criteria: ACMG Guidelines, 2015. Collection method: clinical testing. Allele origin: germline. Affected: yes.
Comment: This variant is classified as VUS-3A. Evidence in support of pathogenic classification: Variant is absent from gnomAD (v2, v3 and v4); Missense variant in a region that is highly intolerant to missense variation (high constraint region in DECIPHER); Missense variant predicted to be damaging by in silico tool(s) or highly conserved with a major amino acid change. Additional information: Variant is predicted to result in a missense amino acid change from tyrosine to cysteine; This variant is heterozygous; This gene is associated with X-linked recessive disease; This variant has no previous evidence of pathogenicity; No published segregation evidence has been identified for this variant; No published functional evidence has been identified for this variant; No comparable missense variants have previous evidence for pathogenicity; Loss of function is a known mechanism of disease in this gene and is associated with intellectual developmental disorder, X-linked 106 (MIM#300997); Inheritance information for this variant is not currently available in this individual.